The following is an entry in ClinVar:

ClinVar aggregate classification (germline): Conflicting classifications of pathogenicity. Review status: criteria provided, conflicting classifications (1 of 4 stars). 5 submissions from 5 submitters: Pathogenic (1); Likely pathogenic (1); Uncertain significance (3). Last evaluated 2025-07-29.

Conditions:
Arrhythmogenic cardiomyopathy with wooly hair and keratoderma. Also called: PALMOPLANTAR KERATODERMA WITH LEFT VENTRICULAR CARDIOMYOPATHY AND WOOLLY HAIR; Carvajal syndrome; Dilated cardiomyopathy with woolly hair and keratoderma; Arrhythmogenic cardiomyopathy with woolly hair and keratoderma. Identifiers: Orphanet 65282, MedGen C1854063, MONDO:0011581, OMIM 605676.
Arrhythmogenic right ventricular dysplasia 8 (ARVD8). Also called: Arrhythmogenic Right Ventricular Dysplasia/Cardiomyopathy 8; ARRHYTHMOGENIC RIGHT VENTRICULAR DYSPLASIA, FAMILIAL, 8; ARRHYTHMOGENIC RIGHT VENTRICULAR CARDIOMYOPATHY 8. Identifiers: MedGen C1843896, MONDO:0011831, OMIM 607450.
Cardiomyopathy (CMYO). Also called: Cardiomyopathies. Identifiers: Orphanet 167848, MedGen C0878544, MONDO:0004994, HP:0001638. Inheritance: Various modes of inheritance.

Allele frequency attached by ClinVar (database versions not stated): gnomAD exomes below 0.00001; ExAC 0.00001.

Submissions (5):

Institute of Immunology and Genetics Kaiserslautern
Classification: Pathogenic for Arrhythmogenic right ventricular dysplasia 8; Arrhythmogenic cardiomyopathy with wooly hair and keratoderma. Last evaluated: 2025-07-29. Review status: criteria provided, single submitter. Criteria: ACMG Guidelines, 2015. Collection method: clinical testing. Allele origin: germline. Affected: yes.
Comment: ACMG Criteria: PS3, PM1, PM2_P, PM3, PP3 PP5; Variant was found in heterozygous state.

GeneDx
Classification: Likely pathogenic. Last evaluated: 2023-11-24. Review status: criteria provided, single submitter. Criteria: GeneDx Variant Classification Process June 2021. Collection method: clinical testing. Allele origin: germline. Affected: yes.
Comment: Published functional studies suggest that this variant compromises plakin repeat domain (PRD) structure of the DSP protein (PMID: 35008956); Not observed at significant frequency in large population cohorts (gnomAD); In silico analysis supports that this missense variant has a deleterious effect on protein structure/function; This variant is associated with the following publications: (PMID: 31402444, 34400560, 36142674, 29878302, 35008956, 20864495)

All of Us Research Program, National Institutes of Health
Classification: Uncertain significance for Arrhythmogenic cardiomyopathy with wooly hair and keratoderma. Last evaluated: 2023-04-27. Review status: criteria provided, single submitter. Criteria: ACMG Guidelines, 2015. Collection method: clinical testing. Allele origin: germline. Inheritance: Autosomal dominant inheritance. Observed: 2 variant alleles, 2 heterozygotes.
Comment: This missense variant replaces glycine with arginine at codon 2056 of the DSP protein. Computational prediction suggests that this variant may have deleterious impact on protein structure and function (internally defined REVEL score threshold >= 0.7, PMID: 27666373). A functional study has shown that this variant causes the protein insoluble in E. coli cells and low expressed in HeLa cells, suggesting the impairment in DSP protein stability (PMID: 35008956). This variant has been reported in homozygous state in an individual affected with arrhythmogenic right ventricular cardiomyopathy with left ventricular involvement (PMID: 20864495). The proband's three children had no cardiac symptoms, who were obligate heterozygous mutation carriers. This variant has been identified in 1/250594 chromosomes in the general population by the Genome Aggregation Database (gnomAD). The available evidence is insufficient to determine the role of this variant in disease conclusively. Therefore, this variant is classified as a Variant of Uncertain Significance.

This study involves interpretation of variants in research participants for the purpose of population health screening. Participant phenotype was not available at the time of variant classification. Additional details can be found in publication PMID: 35346344, PMCID: PMC8962531

Color Diagnostics, LLC DBA Color Health
Classification: Uncertain significance for Cardiomyopathy. Last evaluated: 2023-03-23. Review status: criteria provided, single submitter. Criteria: ACMG Guidelines, 2015. Collection method: clinical testing. Allele origin: germline.
Comment: This missense variant replaces glycine with arginine at codon 2056 of the DSP protein. Computational prediction suggests that this variant may have deleterious impact on protein structure and function (internally defined REVEL score threshold >= 0.7, PMID: 27666373). A functional study has shown that this variant causes the protein insoluble in E. coli cells and low expressed in HeLa cells, suggesting the impairment in DSP protein stability (PMID: 35008956). This variant has been reported in homozygous state in an individual affected with arrhythmogenic right ventricular cardiomyopathy with left ventricular involvement (PMID: 20864495). The proband's three children had no cardiac symptoms, who were obligate heterozygous mutation carriers. This variant has been identified in 1/250594 chromosomes in the general population by the Genome Aggregation Database (gnomAD). The available evidence is insufficient to determine the role of this variant in disease conclusively. Therefore, this variant is classified as a Variant of Uncertain Significance.

Human Genome Sequencing Center Clinical Lab, Baylor College of Medicine
Classification: Uncertain significance for Arrhythmogenic right ventricular dysplasia, type 8. Review status: criteria provided, single submitter. Criteria: ACMG Guidelines, 2015. Collection method: clinical testing. Allele origin: germline.

Literature cited by the submitters: PubMed 20864495 (cited by All of Us Research Program, National Institutes of Health and Color Diagnostics, LLC DBA Color Health); PubMed 35008956 (cited by All of Us Research Program, National Institutes of Health and Color Diagnostics, LLC DBA Color Health).

NM_004415.4(DSP):c.6166G>C (p.Gly2056Arg)

Gene: DSP (desmoplakin; plus strand). Cytogenetic location: 6p24.3.
Variant type: single nucleotide variant.
Coding change: c.6166G>C on transcript NM_004415.4 (MANE Select); coding-DNA position 6166, G replaced by C.
Protein change: p.Gly2056Arg; replaces glycine 2056 with arginine.
Molecular consequence: missense variant.
Genome position (GRCh38, 1-based): chr6:7,583,428, G>C. VCF-style: chr6-7583428-G-C. GRCh37 (hg19) VCF-style: chr6-7583661-G-C.
Other names: c.4369G>C, p.Gly1457Arg (NM_001008844.3); c.4837G>C, p.Gly1613Arg (NM_001319034.2); short protein forms G1613R, G1457R, G2056R.
Identifiers: ClinVar variation 920518 (VCV000920518.9), dbSNP rs780274878, ClinGen allele CA046962.